The following is an entry in ClinVar:

ClinVar aggregate classification (germline): Uncertain significance (1 of 4 stars; one submission).

Conditions:
Ciliary dyskinesia, primary, 37 (CILD37). Also called: CILIARY DYSKINESIA, PRIMARY, 37, WITH OR WITHOUT SITUS INVERSUS. Identifiers: MedGen C4539798, MONDO:0033204, OMIM 617577.
Spermatogenic failure 18. Identifiers: MedGen C4539783, MONDO:0054615, OMIM 617576.

Allele frequency attached by ClinVar (database versions not stated): gnomAD exomes below 0.00001; TOPMed below 0.00001.
gnomAD v4.1: 1 of 1,610,048 alleles (0.000062%); highest among the groups gnomAD compares: African/African-American, 0.0013%; no homozygotes.

Submission:

Labcorp Genetics (formerly Invitae), Labcorp
Classification: Uncertain significance for Ciliary dyskinesia, primary, 37; Spermatogenic failure 18. Last evaluated: 2021-11-10. Review status: criteria provided, single submitter. Criteria: Invitae Variant Classification Sherloc (09022015). Collection method: clinical testing. Allele origin: germline.
Comment: This variant has not been reported in the literature in individuals affected with DNAH1-related conditions. This variant is present in population databases (no rsID available, gnomAD 0.007%). Algorithms developed to predict the effect of missense changes on protein structure and function are either unavailable or do not agree on the potential impact of this missense change (SIFT: "Deleterious"; PolyPhen-2: "Benign"; Align-GVGD: "Class C0"). In summary, the available evidence is currently insufficient to determine the role of this variant in disease. Therefore, it has been classified as a Variant of Uncertain Significance. This sequence change replaces phenylalanine, which is neutral and non-polar, with serine, which is neutral and polar, at codon 556 of the DNAH1 protein (p.Phe556Ser).

NM_015512.5(DNAH1):c.1667T>C (p.Phe556Ser)

Gene: DNAH1 (dynein axonemal heavy chain 1; plus strand). Cytogenetic location: 3p21.1.
Variant type: single nucleotide variant.
Coding change: c.1667T>C on transcript NM_015512.5 (MANE Select); coding-DNA position 1667, T replaced by C.
Protein change: p.Phe556Ser; replaces phenylalanine 556 with serine.
Molecular consequence: missense variant.
Genome position (GRCh38, 1-based): chr3:52,346,482, T>C. VCF-style: chr3-52346482-T-C. GRCh37 (hg19) VCF-style: chr3-52380498-T-C.
Other names: short protein forms F556S.
Identifiers: ClinVar variation 1444080 (VCV001444080.4), dbSNP rs888102573, ClinGen allele CA74737430.